The following is an entry in ClinVar:

ClinVar aggregate classification (germline): Uncertain significance (1 of 4 stars; one submission).

Conditions:
Dyskeratosis congenita. Identifiers: Orphanet 1775, MedGen C0265965, MONDO:0015780.

Allele frequency attached by ClinVar (database versions not stated): gnomAD exomes below 0.00001; TOPMed below 0.00001.

Submission:

Labcorp Genetics (formerly Invitae), Labcorp
Classification: Uncertain significance for Dyskeratosis congenita. Last evaluated: 2023-08-17. Review status: criteria provided, single submitter. Criteria: Invitae Variant Classification Sherloc (09022015). Collection method: clinical testing. Allele origin: germline.
Comment: In summary, the available evidence is currently insufficient to determine the role of this variant in disease. Therefore, it has been classified as a Variant of Uncertain Significance. Experimental studies and prediction algorithms are not available or were not evaluated, and the functional significance of this variant is currently unknown. ClinVar contains an entry for this variant (Variation ID: 2057547). This variant has not been reported in the literature in individuals affected with NHP2-related conditions. This variant is present in population databases (no rsID available, gnomAD 0.009%). This sequence change creates a premature translational stop signal (p.Tyr107Leufs*5) in the NHP2 gene. While this is not anticipated to result in nonsense mediated decay, it is expected to disrupt the last 47 amino acid(s) of the NHP2 protein.

NM_017838.4(NHP2):c.319dup (p.Tyr107fs)

Gene: NHP2 (NHP2 ribonucleoprotein; minus strand). Cytogenetic location: 5q35.3.
Variant type: Duplication.
Coding change: c.319dup on transcript NM_017838.4 (MANE Select); coding-DNA position 319, one base duplicated (T; older notation c.319dupT).
Protein change: p.Tyr107fs; shifts the reading frame from tyrosine 107.
Molecular consequence: frameshift variant. On other transcripts: intron variant (1).
Genome position (GRCh38, 1-based): chr5:178,150,905, A duplicated on the plus strand (T on the coding strand, the reverse complement: NHP2 is on the minus strand). VCF-style (leftmost placement, unchanged base first): chr5-178150904-T-TA. GRCh37 (hg19) VCF-style: chr5-177577905-T-TA.
Other names: c.319dup, p.Tyr107fs (NM_001396110.1); c.231-1067dup (NM_001034833.2); short protein forms Y107fs.
Identifiers: ClinVar variation 2057547 (VCV002057547.2), dbSNP rs1299133481, ClinGen allele CA564522087.